The following is an entry in ClinVar:

NM_001282531.3(ADNP):c.2968_2969inv (p.Glu990Ser)

Gene: ADNP (activity dependent neuroprotector homeobox; minus strand). Cytogenetic location: 20q13.13.
Variant type: Inversion.
Coding change: c.2968_2969inv on transcript NM_001282531.3 (MANE Select).
Protein change: p.Glu990Ser; replaces glutamic acid 990 with serine.
Molecular consequence: missense variant.
Genome position: GRCh38 VCF-style: chr20-50891745-TC-GA. GRCh37 (hg19) VCF-style: chr20-49508282-TC-GA.
Other names: c.2968_2969inv, p.Glu990Ser (NM_015339.5, NM_181442.4, NM_001282532.2 and 1 more transcripts); c.2968_2969delinsTC (NM_015339.5, NM_001282531.2); short protein forms E990S.
Identifiers: ClinVar variation 2438886 (VCV002438886.5), ClinGen allele CA2580098297.

ClinVar aggregate classification (germline): Uncertain significance. Review status: criteria provided, multiple submitters, no conflicts (2 of 4 stars). 3 submissions from 3 submitters: Uncertain significance (3). Last evaluated 2025-02-12.

Conditions:
ADNP-related disorder. Also called: ADNP-related condition.
ADNP-related multiple congenital anomalies - intellectual disability - autism spectrum disorder. Also called: ADNP-Related Helsmoortel-Van der Aa Syndrome; Helsmoortel-Van der Aa Syndrome. Identifiers: Orphanet 404448, MedGen C4014538, MONDO:0014379, OMIM 615873. Disease mechanism: loss of function.

Submissions (3):

Labcorp Genetics (formerly Invitae), Labcorp
Classification: Uncertain significance. Last evaluated: 2025-02-12. Review status: criteria provided, single submitter. Criteria: Invitae Variant Classification Sherloc (09022015). Collection method: clinical testing. Allele origin: germline.
Comment: This sequence change replaces glutamic acid, which is acidic and polar, with serine, which is neutral and polar, at codon 990 of the ADNP protein (p.Glu990Ser). Information on the frequency of this variant in the gnomAD database is not available, as this variant may be reported differently in the database. This variant has not been reported in the literature in individuals affected with ADNP-related conditions. ClinVar contains an entry for this variant (Variation ID: 2438886). An algorithm developed to predict the effect of missense changes on protein structure and function (PolyPhen-2) suggests that this variant is likely to be tolerated. In summary, the available evidence is currently insufficient to determine the role of this variant in disease. Therefore, it has been classified as a Variant of Uncertain Significance.

PreventionGenetics, part of Exact Sciences
Classification: Uncertain significance for ADNP-related condition. Last evaluated: 2024-10-09. Review status: criteria provided, single submitter. Criteria: ACMG Guidelines, 2015. Collection method: clinical testing. Allele origin: germline.
Comment: The ADNP c.2968_2969delinsTC variant is predicted to result in an in-frame deletion and insertion. To our knowledge, this variant has not been reported in the literature or in a large population database (gnomAD), indicating this variant is rare. Of note, a different variant impacting the same amino acid (p.Glu990Lys) has been documented in an individual from an autism spectrum disorder cohort (Additional file 6: Data 3 in Guo et al. 2018. PubMed ID: 30564305). At this time, the clinical significance of the c.2968_2969delinsTC (p.Glu990Ser) variant is uncertain due to the absence of conclusive functional and genetic evidence.

Revvity Omics, Revvity
Classification: Uncertain significance for ADNP-related multiple congenital anomalies - intellectual disability - autism spectrum disorder. Last evaluated: 2021-06-24. Review status: criteria provided, single submitter. Criteria: ACMG Guidelines, 2015. Collection method: clinical testing. Allele origin: germline.